The following is an entry in ClinVar:

NM_000059.4(BRCA2):c.5994A>C (p.Gln1998His)

Gene: BRCA2 (BRCA2 DNA repair associated; plus strand). Cytogenetic location: 13q13.1.
Variant type: single nucleotide variant.
Coding change: c.5994A>C on transcript NM_000059.4 (MANE Select); coding-DNA position 5994, A replaced by C.
Protein change: p.Gln1998His; replaces glutamine 1998 with histidine.
Molecular consequence: missense variant.
Genome position (GRCh38, 1-based): chr13:32,340,349, A>C. VCF-style: chr13-32340349-A-C. GRCh37 (hg19) VCF-style: chr13-32914486-A-C.
Other names: short protein forms Q1998H.
Identifiers: ClinVar variation 950041 (VCV000950041.13), dbSNP rs554663691, ClinGen allele CA387787663.
Genomic context (GRCh38, chr13:32,340,349, plus strand): 5'-TAGCACAGCAAGTGGAAAATCTGTCCAGGTATCAGATGCTTCATTACAAAACGCAAGACA[A>C]GTGTTTTCTGAAATAGAAGATAGTACCAAGCAAGTCTTTTCCAAAGTATTGTTTAAAAGT-3'
Protein context (NP_000050.3, residues 1988-2008): VSDASLQNAR[Gln1998His]VFSEIEDSTK

ClinVar aggregate classification (germline): Conflicting classifications of pathogenicity. Review status: criteria provided, conflicting classifications (1 of 4 stars). 3 submissions from 3 submitters: Uncertain significance (2); Likely benign (1). Last evaluated 2023-03-23.

Conditions:
Hereditary breast ovarian cancer syndrome. Also called: Hereditary breast and ovarian cancer; Hereditary breast and/or ovarian cancer syndrome; Hereditary breast and ovarian cancer syndrome; Hereditary breast and ovarian cancer syndrome (HBOC); BRCA1- and BRCA2-Associated Hereditary Breast and Ovarian Cancer; Breast and ovarian cancer. Identifiers: Orphanet 145, MedGen C0677776, MeSH D061325, MONDO:0003582. Disease mechanism: loss of function.
Hereditary cancer-predisposing syndrome. Also called: Tumor predisposition; Hereditary neoplastic syndrome; Neoplastic Syndromes, Hereditary; Hereditary Cancer Syndrome. Identifiers: Orphanet 140162, MedGen C0027672, MeSH D009386, MONDO:0015356.

Submissions (3):

University of Washington Department of Laboratory Medicine, University of Washington
Classification: Likely benign for Hereditary cancer-predisposing syndrome. Last evaluated: 2023-03-23. Review status: criteria provided, single submitter. Criteria: Dines et al. (Genet Med. 2020). Collection method: curation. Allele origin: germline.
Comment: Missense variant in a coldspot region where missense variants are very unlikely to be pathogenic (PMID:31911673).

BRCA2 exon 11 coldspot. Reclassification based on statistical prior probability.

Ambry Genetics
Classification: Uncertain significance for Hereditary cancer-predisposing syndrome. Last evaluated: 2022-08-17. Review status: criteria provided, single submitter. Criteria: Ambry Variant Classification Scheme 2023. Collection method: clinical testing. Allele origin: germline.
Comment: The p.Q1998H variant (also known as c.5994A>C), located in coding exon 10 of the BRCA2 gene, results from an A to C substitution at nucleotide position 5994. The glutamine at codon 1998 is replaced by histidine, an amino acid with highly similar properties. This amino acid position is not well conserved in available vertebrate species. In addition, the in silico prediction for this alteration is inconclusive. Since supporting evidence is limited at this time, the clinical significance of this alteration remains unclear.

Labcorp Genetics (formerly Invitae), Labcorp
Classification: Uncertain significance for Hereditary breast ovarian cancer syndrome. Last evaluated: 2019-07-02. Review status: criteria provided, single submitter. Criteria: Invitae Variant Classification Sherloc (09022015). Collection method: clinical testing. Allele origin: germline.
Comment: In summary, the available evidence is currently insufficient to determine the role of this variant in disease. Therefore, it has been classified as a Variant of Uncertain Significance. Algorithms developed to predict the effect of missense changes on protein structure and function (SIFT, PolyPhen-2, Align-GVGD) all suggest that this variant is likely to be tolerated, but these predictions have not been confirmed by published functional studies and their clinical significance is uncertain. This variant has not been reported in the literature in individuals with BRCA2-related conditions. This variant is not present in population databases (ExAC no frequency). This sequence change replaces glutamine with histidine at codon 1998 of the BRCA2 protein (p.Gln1998His). The glutamine residue is moderately conserved and there is a small physicochemical difference between glutamine and histidine.